The following is an entry in ClinVar:

NM_020207.7(ERCC6L2):c.1879A>C (p.Lys627Gln)

Gene: ERCC6L2 (ERCC excision repair 6 like 2; plus strand). Cytogenetic location: 9q22.32.
Variant type: single nucleotide variant.
Coding change: c.1879A>C on transcript NM_020207.7 (MANE Select); coding-DNA position 1879, A replaced by C.
Protein change: p.Lys627Gln; replaces lysine 627 with glutamine.
Molecular consequence: missense variant. On other transcripts: non-coding transcript variant (1).
Genome position (GRCh38, 1-based): chr9:95,955,945, A>C. VCF-style: chr9-95955945-A-C. GRCh37 (hg19) VCF-style: chr9-98718227-A-C.
Other names: c.1879A>C, p.Lys627Gln (NM_001010895.4, NM_001375291.1, NM_001375292.1 and 2 more transcripts); short protein forms K627Q.
Identifiers: ClinVar variation 4870604 (VCV004870604.1).
Genomic context (GRCh38, chr9:95,955,945, plus strand): 5'-TTTTGTTTGTATTTTTAATCCTTTTACAGAGCATATAGGATTGGACAATGTAGAGATGTC[A>C]AAGTGCTTAGGCTGATATCCTTGGGAACTGTGGAGGAAATCATGTATTTACGACAGATAT-3'
Protein context (NP_064592.3, residues 617-637): AYRIGQCRDV[Lys627Gln]VLRLISLGTV

ClinVar aggregate classification (germline): Uncertain significance (1 of 4 stars; one submission).

Conditions:
Inborn genetic diseases. Identifiers: MedGen C0950123, MeSH D030342.

gnomAD v4.1: 2 of 1,606,364 alleles (0.00012%); highest among the groups gnomAD compares: Non-Finnish European, 0.000085%; no homozygotes.

Submission:

Ambry Genetics
Classification: Uncertain significance for Inborn genetic diseases. Last evaluated: 2026-05-14. Review status: criteria provided, single submitter. Criteria: Ambry Variant Classification Scheme 2023. Collection method: clinical testing. Allele origin: germline.
Comment: The p.K627Q variant (also known as c.1879A>C), located in coding exon 13 of the ERCC6L2 gene, results from an A to C substitution at nucleotide position 1879. The lysine at codon 627 is replaced by glutamine, an amino acid with similar properties. This amino acid position is conserved. In addition, the in silico prediction for this alteration is inconclusive. Based on the available evidence, the clinical significance of this variant remains unclear.